The following is an entry in ClinVar:

ClinVar aggregate classification (germline): Uncertain significance (1 of 4 stars; one submission).

Submission:

Labcorp Genetics (formerly Invitae), Labcorp
Classification: Uncertain significance. Last evaluated: 2024-05-15. Review status: criteria provided, single submitter. Criteria: Invitae Variant Classification Sherloc (09022015). Collection method: clinical testing. Allele origin: germline.
Comment: This sequence change replaces glutamic acid, which is acidic and polar, with lysine, which is basic and polar, at codon 392 of the RNF168 protein (p.Glu392Lys). This variant is not present in population databases (gnomAD no frequency). This variant has not been reported in the literature in individuals affected with RNF168-related conditions. An algorithm developed to predict the effect of missense changes on protein structure and function (PolyPhen-2) suggests that this variant is likely to be disruptive. In summary, the available evidence is currently insufficient to determine the role of this variant in disease. Therefore, it has been classified as a Variant of Uncertain Significance.

NM_152617.4(RNF168):c.1174G>A (p.Glu392Lys)

Gene: RNF168 (ring finger protein 168; minus strand). Cytogenetic location: 3q29.
Variant type: single nucleotide variant.
Coding change: c.1174G>A on transcript NM_152617.4 (MANE Select); coding-DNA position 1174, G replaced by A.
Protein change: p.Glu392Lys; replaces glutamic acid 392 with lysine.
Molecular consequence: missense variant.
Genome position (GRCh38, 1-based): chr3:196,472,361, C>T on the plus strand (G>A on the coding strand, the complement: RNF168 is on the minus strand). VCF-style: chr3-196472361-C-T. GRCh37 (hg19) VCF-style: chr3-196199232-C-T.
Other names: short protein forms E392K.
Identifiers: ClinVar variation 3694608 (VCV003694608.2).